The following is an entry in ClinVar:

NM_001077653.2(TBX20):c.1264C>A (p.His422Asn)

Gene: TBX20 (T-box transcription factor 20; minus strand). Cytogenetic location: 7p14.2.
Variant type: single nucleotide variant.
Coding change: c.1264C>A on transcript NM_001077653.2 (MANE Select); coding-DNA position 1264, C replaced by A.
Protein change: p.His422Asn; replaces histidine 422 with asparagine.
Molecular consequence: missense variant.
Genome position (GRCh38, 1-based): chr7:35,202,510, G>T on the plus strand (C>A on the coding strand, the complement: TBX20 is on the minus strand). VCF-style: chr7-35202510-G-T. GRCh37 (hg19) VCF-style: chr7-35242122-G-T.
Other names: short protein forms H422N.
Identifiers: ClinVar variation 1763780 (VCV001763780.5), dbSNP rs1440782623, ClinGen allele CA367262876.

ClinVar aggregate classification (germline): Uncertain significance. Review status: criteria provided, multiple submitters, no conflicts (2 of 4 stars). 2 submissions from 2 submitters: Uncertain significance (2). Last evaluated 2022-10-30.

Conditions:
Cardiovascular phenotype. Identifiers: MedGen CN230736.

gnomAD v4.1: 1 of 1,609,750 alleles (0.000062%); no homozygotes.

Submissions (2):

Labcorp Genetics (formerly Invitae), Labcorp
Classification: Uncertain significance. Last evaluated: 2022-10-30. Review status: criteria provided, single submitter. Criteria: Invitae Variant Classification Sherloc (09022015). Collection method: clinical testing. Allele origin: germline.
Comment: In summary, the available evidence is currently insufficient to determine the role of this variant in disease. Therefore, it has been classified as a Variant of Uncertain Significance. Algorithms developed to predict the effect of missense changes on protein structure and function are either unavailable or do not agree on the potential impact of this missense change (SIFT: "Tolerated"; PolyPhen-2: "Probably Damaging"; Align-GVGD: "Class C0"). This variant has not been reported in the literature in individuals affected with TBX20-related conditions. The frequency data for this variant in the population databases is considered unreliable, as metrics indicate poor data quality at this position in the gnomAD database. This sequence change replaces histidine, which is basic and polar, with asparagine, which is neutral and polar, at codon 422 of the TBX20 protein (p.His422Asn).

Ambry Genetics
Classification: Uncertain significance for Cardiovascular phenotype. Last evaluated: 2022-02-17. Review status: criteria provided, single submitter. Criteria: Ambry Variant Classification Scheme 2023. Collection method: clinical testing. Allele origin: germline.
Comment: The p.H422N variant (also known as c.1264C>A), located in coding exon 8 of the TBX20 gene, results from a C to A substitution at nucleotide position 1264. The histidine at codon 422 is replaced by asparagine, an amino acid with similar properties. This amino acid position is highly conserved in available vertebrate species. In addition, the in silico prediction for this alteration is inconclusive. Since supporting evidence is limited at this time, the clinical significance of this alteration remains unclear.